The following is an entry in ClinVar:

NM_181552.4(CUX1):c.941C>T (p.Thr314Ile)

Gene: CUX1 (cut like homeobox 1; plus strand). Cytogenetic location: 7q22.1.
Variant type: single nucleotide variant.
Coding change: c.941C>T on transcript NM_181552.4 (MANE Select); coding-DNA position 941, C replaced by T.
Protein change: p.Thr314Ile; replaces threonine 314 with isoleucine.
Molecular consequence: missense variant.
Genome position (GRCh38, 1-based): chr7:102,178,581, C>T. VCF-style: chr7-102178581-C-T. GRCh37 (hg19) VCF-style: chr7-101821861-C-T.
Other names: c.974C>T, p.Thr325Ile (NM_001202543.2, NM_001913.5); c.926C>T, p.Thr309Ile (NM_001202544.3); c.836C>T, p.Thr279Ile (NM_001202545.3); c.857C>T, p.Thr286Ile (NM_001202546.3); c.968C>T, p.Thr323Ile (NM_181500.4); short protein forms T323I, T279I, T286I, T314I, T309I, T325I.
Identifiers: ClinVar variation 836163 (VCV000836163.11), dbSNP rs367848953, ClinGen allele CA4410671.

ClinVar aggregate classification (germline): Uncertain significance (1 of 4 stars; one submission).

Allele frequency attached by ClinVar (database versions not stated): ExAC below 0.00001; gnomAD exomes below 0.00001; gnomAD 0.00003 and 0.00004; TOPMed 0.00003; ESP Exome Variant Server 0.00015.
gnomAD v4.1: 7 of 1,612,384 alleles (0.00043%); highest among the groups gnomAD compares: African/African-American, 0.0067%; no homozygotes.

Submission:

Labcorp Genetics (formerly Invitae), Labcorp
Classification: Uncertain significance. Last evaluated: 2019-12-29. Review status: criteria provided, single submitter. Criteria: Invitae Variant Classification Sherloc (09022015). Collection method: clinical testing. Allele origin: germline.
Comment: This sequence change replaces threonine with isoleucine at codon 325 of the CUX1 protein (p.Thr325Ile). The threonine residue is moderately conserved and there is a moderate physicochemical difference between threonine and isoleucine. In summary, the available evidence is currently insufficient to determine the role of this variant in disease. Therefore, it has been classified as a Variant of Uncertain Significance. Experimental studies and prediction algorithms are not available or were not evaluated, and the functional significance of this variant is currently unknown. This variant has not been reported in the literature in individuals with CUX1-related conditions. The frequency data for this variant in the population databases is considered unreliable, as metrics indicate poor data quality at this position in the ExAC database.